The following is an entry in ClinVar:

ClinVar aggregate classification (germline): Uncertain significance (1 of 4 stars; one submission).

Conditions:
Hereditary spastic paraplegia 11. Also called: Spastic paraplegia, mental retardation and thin corpus callosum; Spastic Paraplegia 11; Nakamura Osame syndrome; Autosomal recessive hereditary spastic paraplegia, mental impairment, and thin corpus callosum; SPASTIC PARAPLEGIA, AUTOSOMAL RECESSIVE, COMPLICATED, WITH THIN CORPUS CALLOSUM; SPASTIC PARAPLEGIA, AUTOSOMAL RECESSIVE, WITH MENTAL IMPAIRMENT AND THIN CORPUS CALLOSUM. Identifiers: Orphanet 2822, MedGen C1858479, MONDO:0011445, OMIM 604360.

Submission:

Labcorp Genetics (formerly Invitae), Labcorp
Classification: Uncertain significance for Hereditary spastic paraplegia 11. Last evaluated: 2022-07-29. Review status: criteria provided, single submitter. Criteria: Invitae Variant Classification Sherloc (09022015). Collection method: clinical testing. Allele origin: germline.
Comment: This sequence change replaces glutamine, which is neutral and polar, with proline, which is neutral and non-polar, at codon 567 of the SPG11 protein (p.Gln567Pro). This variant is not present in population databases (gnomAD no frequency). This variant has not been reported in the literature in individuals affected with SPG11-related conditions. Algorithms developed to predict the effect of missense changes on protein structure and function are either unavailable or do not agree on the potential impact of this missense change (SIFT: "Deleterious"; PolyPhen-2: "Benign"; Align-GVGD: "Class C0"). In summary, the available evidence is currently insufficient to determine the role of this variant in disease. Therefore, it has been classified as a Variant of Uncertain Significance.

NM_025137.4(SPG11):c.1700A>C (p.Gln567Pro)

Gene: SPG11 (SPG11 vesicle trafficking associated, spatacsin; minus strand). Cytogenetic location: 15q21.1.
Variant type: single nucleotide variant.
Coding change: c.1700A>C on transcript NM_025137.4 (MANE Select); coding-DNA position 1700, A replaced by C.
Protein change: p.Gln567Pro; replaces glutamine 567 with proline.
Molecular consequence: missense variant.
Genome position (GRCh38, 1-based): chr15:44,633,540, T>G on the plus strand (A>C on the coding strand, the complement: SPG11 is on the minus strand). VCF-style: chr15-44633540-T-G. GRCh37 (hg19) VCF-style: chr15-44925738-T-G.
Other names: c.1700A>C, p.Gln567Pro (NM_001160227.2, NM_001411132.1); short protein forms Q567P.
Identifiers: ClinVar variation 1963238 (VCV001963238.5), dbSNP rs2505628420, ClinGen allele CA392235244.